The following is an entry in ClinVar:

NM_022132.5(MCCC2):c.1441G>A (p.Val481Met)

Gene: MCCC2 (methylcrotonyl-CoA carboxylase subunit 2; plus strand). Cytogenetic location: 5q13.2.
Variant type: single nucleotide variant.
Coding change: c.1441G>A on transcript NM_022132.5 (MANE Select); coding-DNA position 1441, G replaced by A.
Protein change: p.Val481Met; replaces valine 481 with methionine.
Molecular consequence: missense variant.
Genome position (GRCh38, 1-based): chr5:71,650,136, G>A. VCF-style: chr5-71650136-G-A. GRCh37 (hg19) VCF-style: chr5-70945963-G-A.
Other names: c.1327G>A, p.Val443Met (NM_001363147.1); short protein forms V481M, V443M.
Identifiers: ClinVar variation 194556 (VCV000194556.26), dbSNP rs767575019, ClinGen allele CA240593.

ClinVar aggregate classification (germline): Conflicting classifications of pathogenicity. Review status: criteria provided, conflicting classifications (1 of 4 stars). 7 submissions from 7 submitters: Pathogenic (3); Likely pathogenic (2); Uncertain significance (2). Last evaluated 2026-03-23.

Conditions:
Methylcrotonyl-CoA carboxylase deficiency. Also called: 3-MCC Deficiency; Deficiency of methylcrotonoyl-CoA carboxylase; 3 Methylcrotonylglycinuria. Identifiers: Orphanet 6, MedGen C4551505, MONDO:0018950.
3-methylcrotonyl-CoA carboxylase 2 deficiency. Also called: METHYLCROTONYLGLYCINURIA, TYPE II; 3 alpha methylcrotonyl-CoA carboxylase 2 deficiency; 3 alpha methylcrotonylglycinuria 2; MCC 2 deficiency; Methylcrotonylglycinuria type 2. Identifiers: Orphanet 6, MedGen C1859499, MONDO:0008862, OMIM 210210.

Allele frequency attached by ClinVar (database versions not stated): gnomAD 0.00001; gnomAD exomes 0.00003 and 0.00014; TOPMed 0.00004; ExAC 0.00009.

Submissions (7):

Women's Health and Genetics/Laboratory Corporation of America, LabCorp
Classification: Pathogenic for Methylcrotonyl-CoA carboxylase deficiency. Last evaluated: 2026-03-23. Review status: criteria provided, single submitter. Criteria: LabCorp Variant Classification Summary - May 2015. Collection method: clinical testing. Allele origin: germline.
Comment: Variant summary: MCCC2 c.1441G>A (p.Val481Met) results in a conservative amino acid change in the encoded protein sequence. Algorithms developed to predict the effect of missense changes on protein structure and function are either unavailable or do not agree on the potential impact of this missense change. The variant allele was found at a frequency of 0.00014 in 251396 control chromosomes. This frequency is not significantly higher than estimated for disease-causing variants in MCCC2, allowing no conclusion about variant significance. c.1441G>A has been observed in multiple individuals affected with Methylcrotonyl-CoA Carboxylase Deficiency (e.g. Cook_2024, internal data). These data indicate that the variant is very likely to be associated with disease. To our knowledge, no experimental evidence demonstrating an impact on protein function has been reported. The following publication has been ascertained in the context of this evaluation (PMID: 38146699). ClinVar contains an entry for this variant (Variation ID: 194556). Based on the evidence outlined above, the variant was classified as pathogenic.

Stanford Starfish Project, Stanford University
Classification: Pathogenic for 3-methylcrotonyl-CoA carboxylase 2 deficiency. Last evaluated: 2026-03-11. Review status: criteria provided, single submitter. Criteria: ACMG Guidelines, 2015. Collection method: provider interpretation. Allele origin: germline. Inheritance: Autosomal recessive inheritance. Affected: yes. Observed: 1 variant allele, 1 homozygote.
Comment: This variant is predicted to result in the substitution of valine by methionine at amino acid 481 (p.Val481Met). This variant is rare in large population databases with an allele frequency of 0.06333% in Admixed American populations. See Observation 1 for details on clinical features.

Natera, Inc.
Classification: Likely pathogenic for 3-methylcrotonyl-CoA carboxylase 2 deficiency. Last evaluated: 2026-01-22. Review status: criteria provided, single submitter. Criteria: Natera Variant Classification Schema (03/2026). Collection method: clinical testing. Allele origin: germline.
Comment: The c.1441G>A variant in MCCC2 is a missense variant predicted to cause substitution of valine to methionine at amino acid 481. This variant is rare in the general population with a frequency below the threshold expected for the associated phenotype(s). This variant has been observed in one or more individuals affected with the associated recessive disease, as either homozygous or compound heterozygous with a second variant (PMID: 38146699). Computational prediction algorithms indicate this variant is likely to affect gene or protein function. Given the available evidence, this variant is classified as Likely Pathogenic.

Labcorp Genetics (formerly Invitae), Labcorp
Classification: Pathogenic for 3-methylcrotonyl-CoA carboxylase 2 deficiency. Last evaluated: 2025-11-05. Review status: criteria provided, single submitter. Criteria: Invitae Variant Classification Sherloc (09022015). Collection method: clinical testing. Allele origin: germline.
Comment: This sequence change replaces valine, which is neutral and non-polar, with methionine, which is neutral and non-polar, at codon 481 of the MCCC2 protein (p.Val481Met). This variant is present in population databases (rs767575019, gnomAD 0.1%). This missense change has been observed in individual(s) with positive newborn screening or affected with 3MCC deficiency (internal data). In at least one individual the data is consistent with being in trans (on the opposite chromosome) from a pathogenic variant. ClinVar contains an entry for this variant (Variation ID: 194556). Invitae Evidence Modeling of protein sequence and biophysical properties (such as structural, functional, and spatial information, amino acid conservation, physicochemical variation, residue mobility, and thermodynamic stability) indicates that this missense variant is expected to disrupt MCCC2 protein function with a positive predictive value of 80%. For these reasons, this variant has been classified as Pathogenic.

Greenwood Genetic Center Diagnostic Laboratories, Greenwood Genetic Center
Classification: Likely pathogenic for 3-methylcrotonyl-CoA carboxylase 2 deficiency. Last evaluated: 2024-07-30. Review status: criteria provided, single submitter. Criteria: ACMG Guidelines, 2015. Collection method: clinical testing. Allele origin: germline. Affected: yes.
Comment: PM3, PM2, PS3_Moderate, PP3

Revvity Omics, Revvity
Classification: Uncertain significance for 3-methylcrotonyl-CoA carboxylase 2 deficiency. Last evaluated: 2024-02-23. Review status: criteria provided, single submitter. Criteria: ACMG Guidelines, 2015. Collection method: clinical testing. Allele origin: germline.

Eurofins Ntd Llc (ga)
Classification: Uncertain significance. Last evaluated: 2017-03-16. Review status: criteria provided, single submitter. Criteria: EGL Classification Definitions 2015. Collection method: clinical testing. Allele origin: germline. Observed: 2 variant alleles, 1 heterozygote, 1 homozygote.

Literature cited by the submitters: PubMed 38146699 (cited by Women's Health and Genetics/Laboratory Corporation of America, LabCorp and Natera, Inc.).